The following is an entry in ClinVar:

ClinVar aggregate classification (germline): Benign/Likely benign. Review status: criteria provided, multiple submitters, no conflicts (2 of 4 stars). 7 submissions from 7 submitters: Benign (4); Likely benign (3). Last evaluated 2026-01-28.

Conditions:
Inborn genetic diseases. Identifiers: MedGen C0950123, MeSH D030342.
Neurodevelopmental disorder with or without hyperkinetic movements and seizures, autosomal dominant. Also called: Intellectual disability, autosomal dominant 8. Identifiers: MedGen C3280282, MONDO:0013655, OMIM 614254.

Allele frequency attached by ClinVar (database versions not stated): gnomAD exomes 0.00045 and 0.00095; ExAC 0.00282; 1000 Genomes Project 0.00359; gnomAD 0.00472 and 0.00510; TOPMed 0.00503; 1000 Genomes Project 30x 0.00531; ESP Exome Variant Server 0.00546.
gnomAD v4.1: 1,288 of 1,448,032 alleles (0.089%); highest among the groups gnomAD compares: African/African-American, 1.7%; 13 homozygotes.

Submissions (7):

Labcorp Genetics (formerly Invitae), Labcorp
Classification: Benign for Neurodevelopmental disorder with or without hyperkinetic movements and seizures, autosomal dominant. Last evaluated: 2026-01-28. Review status: criteria provided, single submitter. Criteria: Invitae Variant Classification Sherloc (09022015). Collection method: clinical testing. Allele origin: germline.

Blueprint Genetics
Classification: Likely benign. Last evaluated: 2024-11-13. Review status: criteria provided, single submitter. Criteria: ACMG Guidelines, 2015. Collection method: clinical testing. Allele origin: germline.

Athena Diagnostics
Classification: Benign. Last evaluated: 2018-01-25. Review status: criteria provided, single submitter. Criteria: Athena Diagnostics Criteria. Collection method: clinical testing. Allele origin: germline.

Genetic Services Laboratory, University of Chicago
Classification: Likely benign. Last evaluated: 2016-09-15. Review status: criteria provided, single submitter. Criteria: ACMG Guidelines, 2015. Collection method: clinical testing. Allele origin: germline. Affected: no.

Ambry Genetics
Classification: Benign for Inborn genetic diseases. Last evaluated: 2016-07-05. Review status: criteria provided, single submitter. Criteria: Ambry Variant Classification Scheme 2023. Collection method: clinical testing. Allele origin: germline.

GeneDx
Classification: Benign. Last evaluated: 2016-02-09. Review status: criteria provided, single submitter. Criteria: GeneDx Variant Classification (06012015). Collection method: clinical testing. Allele origin: germline. Affected: yes.
Comment: This variant is considered likely benign or benign based on one or more of the following criteria: it is a conservative change, it occurs at a poorly conserved position in the protein, it is predicted to be benign by multiple in silico algorithms, and/or has population frequency not consistent with disease.

Breakthrough Genomics
Classification: Likely benign. Review status: criteria provided, single submitter. Criteria: ACMG Guidelines, 2015. Collection method: not provided. Allele origin: germline. Inheritance: Autosomal recessive inheritance. Affected: yes.

NM_007327.4(GRIN1):c.1584G>A (p.Glu528=)

Gene: GRIN1 (glutamate ionotropic receptor NMDA type subunit 1; plus strand). Cytogenetic location: 9q34.3.
Variant type: single nucleotide variant.
Coding change: c.1584G>A on transcript NM_007327.4 (MANE Select); coding-DNA position 1584, G replaced by A.
Protein change: p.Glu528=; no amino-acid change (glutamic acid 528 retained).
Molecular consequence: synonymous variant.
Genome position (GRCh38, 1-based): chr9:137,162,040, G>A. VCF-style: chr9-137162040-G-A. GRCh37 (hg19) VCF-style: chr9-140056492-G-A.
Other names: c.1584G>A, p.Glu528= (NM_000832.7, NM_021569.4); c.1647G>A, p.Glu549= (NM_001185090.2, NM_001185091.2).
Identifiers: ClinVar variation 383234 (VCV000383234.61), dbSNP rs116006955, ClinGen allele CA5360965.